The following is an entry in ClinVar:

NM_001348768.2(HECW2):c.973T>G (p.Ser325Ala)

Gene: HECW2 (HECT, C2 and WW domain containing E3 ubiquitin protein ligase 2; minus strand). Cytogenetic location: 2q32.3.
Variant type: single nucleotide variant.
Coding change: c.973T>G on transcript NM_001348768.2 (MANE Select); coding-DNA position 973, T replaced by G.
Protein change: p.Ser325Ala; replaces serine 325 with alanine.
Molecular consequence: missense variant. On other transcripts: intron variant (1).
Genome position (GRCh38, 1-based): chr2:196,320,351, A>C on the plus strand (T>G on the coding strand, the complement: HECW2 is on the minus strand). VCF-style: chr2-196320351-A-C. GRCh37 (hg19) VCF-style: chr2-197185075-A-C.
Other names: c.973T>G, p.Ser325Ala (NM_020760.4); c.-83-447T>G (NM_001304840.3); short protein forms S325A.
Identifiers: ClinVar variation 4056567 (VCV004056567.1).

ClinVar aggregate classification (germline): Uncertain significance (1 of 4 stars; one submission).

Conditions:
Neurodevelopmental disorder with hypotonia, seizures, and absent language (NDHSAL). Identifiers: MedGen C4310643, MONDO:0014995, OMIM 617268.

Submission:

Laboratorio de Genetica e Diagnostico Molecular, Hospital Israelita Albert Einstein
Classification: Uncertain significance for Neurodevelopmental disorder with hypotonia, seizures, and absent language. Last evaluated: 2025-04-05. Review status: criteria provided, single submitter. Criteria: ACMG Guidelines, 2015. Collection method: clinical testing. Allele origin: germline. Affected: yes.
Comment: ACMG classification criteria: PM2 supporting, PP2 supporting, BP4 supporting